The following is an entry in ClinVar:

NM_138576.4(BCL11B):c.1501G>A (p.Gly501Ser)

Gene: BCL11B (BCL11 transcription factor B; minus strand). Cytogenetic location: 14q32.2.
Variant type: single nucleotide variant.
Coding change: c.1501G>A on transcript NM_138576.4 (MANE Select); coding-DNA position 1501, G replaced by A.
Protein change: p.Gly501Ser; replaces glycine 501 with serine.
Molecular consequence: missense variant.
Genome position (GRCh38, 1-based): chr14:99,175,335, C>T on the plus strand (G>A on the coding strand, the complement: BCL11B is on the minus strand). VCF-style: chr14-99175335-C-T. GRCh37 (hg19) VCF-style: chr14-99641672-C-T.
Other names: c.1498G>A, p.Gly500Ser (NM_001282237.2); c.1285G>A, p.Gly429Ser (NM_001282238.2); c.1288G>A, p.Gly430Ser (NM_022898.3); short protein forms G500S, G501S, G429S, G430S.
Identifiers: ClinVar variation 1411059 (VCV001411059.7), dbSNP rs532561475, ClinGen allele CA7339659.

ClinVar aggregate classification (germline): Uncertain significance. Review status: criteria provided, multiple submitters, no conflicts (2 of 4 stars). 2 submissions from 2 submitters: Uncertain significance (2). Last evaluated 2026-08-01.

Allele frequency attached by ClinVar (database versions not stated): gnomAD 0.00001; gnomAD exomes 0.00001; TOPMed 0.00001; ExAC 0.00005; 1000 Genomes Project 0.00020; 1000 Genomes Project 30x 0.00031.
gnomAD v4.1: 15 of 1,551,228 alleles (0.00097%); highest among the groups gnomAD compares: Admixed American, 0.013%; no homozygotes.

Submissions (2):

CeGaT Center for Human Genetics Tuebingen
Classification: Uncertain significance. Last evaluated: 2026-08-01. Review status: criteria provided, single submitter. Criteria: CeGaT Center For Human Genetics Tuebingen Variant Classification Criteria Version 2. Collection method: clinical testing. Allele origin: germline. Affected: yes. Observed: 1 variant allele.

Labcorp Genetics (formerly Invitae), Labcorp
Classification: Uncertain significance. Last evaluated: 2024-07-23. Review status: criteria provided, single submitter. Criteria: Invitae Variant Classification Sherloc (09022015). Collection method: clinical testing. Allele origin: germline.
Comment: This sequence change replaces glycine, which is neutral and non-polar, with serine, which is neutral and polar, at codon 501 of the BCL11B protein (p.Gly501Ser). The frequency data for this variant in the population databases is considered unreliable, as metrics indicate poor data quality at this position in the gnomAD database. This variant has not been reported in the literature in individuals affected with BCL11B-related conditions. ClinVar contains an entry for this variant (Variation ID: 1411059). Advanced modeling of protein sequence and biophysical properties (such as structural, functional, and spatial information, amino acid conservation, physicochemical variation, residue mobility, and thermodynamic stability) performed at Invitae indicates that this missense variant is not expected to disrupt BCL11B protein function with a negative predictive value of 80%. In summary, the available evidence is currently insufficient to determine the role of this variant in disease. Therefore, it has been classified as a Variant of Uncertain Significance.